The following is an entry in ClinVar:

ClinVar aggregate classification (germline): Pathogenic. Review status: criteria provided, multiple submitters, no conflicts (2 of 4 stars). 2 submissions from 2 submitters: Pathogenic (2). Last evaluated 2022-08-22.

Conditions:
Hypogonadotropic hypogonadism 5 with or without anosmia (KAL5). Also called: HYPOGONADOTROPIC HYPOGONADISM 5 WITH ANOSMIA; HYPOGONADOTROPHIC HYPOGONADISM 5 WITHOUT ANOSMIA; CHD7-Related GnRH Deficiency (Kallmann Syndrome 5). Identifiers: Orphanet 478, MedGen C3552553, MONDO:0012880, OMIM 612370. Disease mechanism: loss of function.
CHARGE syndrome (CHARGE). Also called: Hittner Hirsch Kreh syndrome; Coloboma, heart anomaly, choanal atresia, retardation, genital and ear anomalies; CHARGE association; Hall-Hittner syndrome; CHARGE ASSOCIATION--COLOBOMA, HEART ANOMALY, CHOANAL ATRESIA, RETARDATION, GENITAL AND EAR ANOMALIES. Identifiers: Orphanet 138, MedGen C0265354, MONDO:0008965.

Submissions (2):

Daryl Scott Lab, Baylor College of Medicine
Classification: Pathogenic for CHD7-related CHARGE syndrome. Last evaluated: 2022-08-22. Review status: criteria provided, single submitter. Criteria: ACMG Guidelines, 2015. Collection method: clinical testing. Allele origin: de novo. Affected: yes. Observed: 1 variant allele, 1 heterozygote.

Baylor Genetics
Classification: Pathogenic for Hypogonadotropic hypogonadism 5 with or without anosmia. Last evaluated: 2018-10-10. Review status: criteria provided, single submitter. Criteria: ACMG Guidelines, 2015. Collection method: clinical testing. Allele origin: de novo. Affected: yes.
Comment: This variant was determined to be pathogenic according to ACMG Guidelines, 2015 [PMID:25741868].

Literature cited by the submitters: PubMed 36135330 (cited by Daryl Scott Lab, Baylor College of Medicine).

NM_017780.4(CHD7):c.519del (p.Pro174fs)

Gene: CHD7 (chromodomain helicase DNA binding protein 7; plus strand). Cytogenetic location: 8q12.2.
Variant type: Deletion.
Coding change: c.519del on transcript NM_017780.4 (MANE Select); coding-DNA position 519, one base deleted (T; older notation c.519delT).
Protein change: p.Pro174fs; shifts the reading frame from proline 174.
Molecular consequence: frameshift variant.
Genome position (GRCh38, 1-based): chr8:60,741,951, T deleted. VCF-style (leftmost placement, unchanged base first): chr8-60741950-CT-C. GRCh37 (hg19) VCF-style: chr8-61654509-CT-C.
Other names: c.519del, p.Pro174fs (NM_001316690.1); c.519delT (NM_017780.4); short protein forms P174fs.
Identifiers: ClinVar variation 1032765 (VCV001032765.2), dbSNP rs1809050272, ClinGen allele CA1788095492.